The following is an entry in ClinVar:

ClinVar aggregate classification (germline): Uncertain significance (0 of 4 stars; one submission).

Submission:

Martin Pollak Laboratory,  Beth Israel Deaconess Medical Center
Classification: Uncertain significance. Review status: no assertion criteria provided. Collection method: not provided. Allele origin: unknown.
Comment: Lower and higher UCa2+ groups
ClinVar note: Converted during submission from unknown to Uncertain significance.

NM_003361.4(UMOD):c.933C>T (p.Gly311=)

Gene: UMOD (uromodulin; minus strand). Cytogenetic location: 16p12.3.
Variant type: single nucleotide variant.
Coding change: c.933C>T on transcript NM_003361.4 (MANE Select); coding-DNA position 933, C replaced by T.
Protein change: p.Gly311=; no amino-acid change (glycine 311 retained).
Molecular consequence: synonymous variant. On other transcripts: non-coding transcript variant (1).
Genome position (GRCh38, 1-based): chr16:20,348,263, G>A on the plus strand (C>T on the coding strand, the complement: UMOD is on the minus strand). VCF-style: chr16-20348263-G-A. GRCh37 (hg19) VCF-style: chr16-20359585-G-A.
Other names: c.933C>T, p.Gly311= (NM_001008389.3, NM_001378232.1, NM_001378233.1 and 3 more transcripts); c.1032C>T, p.Gly344= (NM_001278614.2).
Identifiers: ClinVar variation 64447 (VCV000064447.2), dbSNP rs387907552, ClinGen allele CA216162.